The following is an entry in ClinVar:

NM_018344.6(SLC29A3):c.984del (p.Asn329fs)

Gene: SLC29A3 (solute carrier family 29 member 3; plus strand). Cytogenetic location: 10q22.1.
Variant type: Deletion.
Coding change: c.984del on transcript NM_018344.6 (MANE Select); coding-DNA position 984, one base deleted (C; older notation c.984delC).
Protein change: p.Asn329fs; shifts the reading frame from asparagine 329.
Molecular consequence: frameshift variant. On other transcripts: 3 prime UTR variant (1), non-coding transcript variant (2).
Genome position (GRCh38, 1-based): chr10:71,362,164, C deleted; the last of 2 consecutive C bases (chr10:71,362,163-71,362,164); deleting either gives the same sequence. VCF-style (leftmost placement, unchanged base first): chr10-71362162-AC-A. GRCh37 (hg19) VCF-style: chr10-73121919-AC-A.
Other names: c.*213del (NM_001174098.2); c.750del, p.Asn251fs (NM_001363518.2); short protein forms N251fs, N329fs.
Identifiers: ClinVar variation 664261 (VCV000664261.8), dbSNP rs1415833135, ClinGen allele CA668077618.
Genomic context (GRCh38, chr10:71,362,162, plus strand): 5'-CTGGGCTTCTGTGTCACCTACGTCTTCTTCATCACCAGCCTCATCTACCCCGCCATCTGC[AC>A]CAACATCGAGTCCCTCAACAAGGGTTCGGGCTCACTGTGGACCACCAAGTTTTTCATCCC-3'

ClinVar aggregate classification (germline): Pathogenic (1 of 4 stars; one submission).

Conditions:
H syndrome. Also called: Histiocytosis with joint contractures and sensorineural deafness; HISTIOCYTOSIS AND LYMPHADENOPATHY WITH OR WITHOUT CUTANEOUS, CARDIAC, AND/OR ENDOCRINE FEATURES, JOINT CONTRACTURES, AND/OR DEAFNESS; HYPERPIGMENTATION, CUTANEOUS, WITH HYPERTRICHOSIS, HEPATOSPLENOMEGALY, HEART ANOMALIES, AND HYPOGONADISM WITH OR WITHOUT HEARING LOSS; PIGMENTED HYPERTRICHOSIS WITH INSULIN-DEPENDENT DIABETES MELLITUS; ROSAI-DORFMAN DISEASE, FAMILIAL; SINUS HISTIOCYTOSIS AND MASSIVE LYMPHADENOPATHY. Identifiers: Orphanet 168569, MedGen C1864445, MONDO:0011273, OMIM 602782.

Submission:

Labcorp Genetics (formerly Invitae), Labcorp
Classification: Pathogenic for H syndrome. Last evaluated: 2022-09-27. Review status: criteria provided, single submitter. Criteria: Invitae Variant Classification Sherloc (09022015). Collection method: clinical testing. Allele origin: germline.
Comment: This sequence change creates a premature translational stop signal (p.Asn329Thrfs*76) in the SLC29A3 gene. While this is not anticipated to result in nonsense mediated decay, it is expected to disrupt the last 147 amino acid(s) of the SLC29A3 protein. This variant is not present in population databases (gnomAD no frequency). This premature translational stop signal has been observed in individual(s) with SLC29A3-related conditions (Invitae). In at least one individual the data is consistent with being in trans (on the opposite chromosome) from a pathogenic variant. ClinVar contains an entry for this variant (Variation ID: 664261). Experimental studies and prediction algorithms are not available or were not evaluated, and the functional significance of this variant is currently unknown. This variant disrupts a region of the SLC29A3 protein in which other variant(s) (p.Gly437Arg) have been determined to be pathogenic (PMID: 18940313, 20595384, 20619369, 29041934). This suggests that this is a clinically significant region of the protein, and that variants that disrupt it are likely to be disease-causing. For these reasons, this variant has been classified as Pathogenic.

Literature cited by the submitters: PubMed 18940313; PubMed 20595384; PubMed 20619369; PubMed 29041934.